The following is an entry in ClinVar:

ClinVar aggregate classification (germline): Uncertain significance (1 of 4 stars; one submission).

Conditions:
Catecholaminergic polymorphic ventricular tachycardia (CVPT). Also called: Catecholamine-induced polymorphic ventricular tachycardia. Identifiers: Orphanet 3286, MedGen C5574922, MONDO:0017990.

Submission:

All of Us Research Program, National Institutes of Health
Classification: Uncertain significance for Catecholaminergic polymorphic ventricular tachycardia. Last evaluated: 2024-04-25. Review status: criteria provided, single submitter. Criteria: ACMG Guidelines, 2015. Collection method: clinical testing. Allele origin: germline. Inheritance: Autosomal dominant inheritance. Observed: 1 variant allele, 1 heterozygote.
Comment: This missense variant replaces glutamic acid with valine at codon 4428 of the RYR2 protein. Computational prediction suggests that this variant may not impact protein structure and function (internally defined REVEL score threshold <= 0.5, PMID: 27666373). To our knowledge, functional studies have not been reported for this variant. This variant has not been reported in individuals affected with RYR2-related disorders in the literature. This variant has not been identified in the general population by the Genome Aggregation Database (gnomAD). The available evidence is insufficient to determine the role of this variant in disease conclusively. Therefore, this variant is classified as a Variant of Uncertain Significance.

This study involves interpretation of variants in research participants for the purpose of population health screening. Participant phenotype was not available at the time of variant classification. Additional details can be found in publication PMID: 35346344, PMCID: PMC8962531

NM_001035.3(RYR2):c.13283A>T (p.Glu4428Val)

Gene: RYR2 (ryanodine receptor 2; plus strand). Cytogenetic location: 1q43.
Variant type: single nucleotide variant.
Coding change: c.13283A>T on transcript NM_001035.3 (MANE Select); coding-DNA position 13283, A replaced by T.
Protein change: p.Glu4428Val; replaces glutamic acid 4428 with valine.
Molecular consequence: missense variant.
Genome position (GRCh38, 1-based): chr1:237,785,991, A>T. VCF-style: chr1-237785991-A-T. GRCh37 (hg19) VCF-style: chr1-237949291-A-T.
Other names: short protein forms E4428V.
Identifiers: ClinVar variation 3385860 (VCV003385860.1).